The following is an entry in ClinVar:

ClinVar aggregate classification (germline): Conflicting classifications of pathogenicity. Review status: criteria provided, conflicting classifications (1 of 4 stars). 2 submissions from 2 submitters: Uncertain significance (1); Likely benign (1). Last evaluated 2026-01-26.

Conditions:
Epileptic encephalopathy. Identifiers: MedGen C0543888, HP:0200134.

Allele frequency attached by ClinVar (database versions not stated): gnomAD exomes 0.00007; ExAC 0.00014; 1000 Genomes Project 0.00020; ESP Exome Variant Server 0.00023; gnomAD 0.00029 and 0.00031; 1000 Genomes Project 30x 0.00031; TOPMed 0.00045.
gnomAD v4.1: 157 of 1,610,402 alleles (0.0097%); highest among the groups gnomAD compares: Admixed American, 0.052%; 1 homozygote.

Submissions (2):

Labcorp Genetics (formerly Invitae), Labcorp
Classification: Uncertain significance for Epileptic encephalopathy. Last evaluated: 2026-01-26. Review status: criteria provided, single submitter. Criteria: Invitae Variant Classification Sherloc (09022015). Collection method: clinical testing. Allele origin: germline.
Comment: This sequence change replaces alanine, which is neutral and non-polar, with threonine, which is neutral and polar, at codon 471 of the FASN protein (p.Ala471Thr). This variant is present in population databases (rs145247848, gnomAD 0.04%). This variant has not been reported in the literature in individuals affected with FASN-related conditions. ClinVar contains an entry for this variant (Variation ID: 650588). An algorithm developed to predict the effect of missense changes on protein structure and function outputs the following: PolyPhen-2: "Benign". The threonine amino acid residue is found in multiple mammalian species, which suggests that this missense change does not adversely affect protein function. In summary, the available evidence is currently insufficient to determine the role of this variant in disease. Therefore, it has been classified as a Variant of Uncertain Significance.

Ambry Genetics
Classification: Likely benign. Last evaluated: 2022-12-01. Review status: criteria provided, single submitter. Criteria: Ambry Variant Classification Scheme 2023. Collection method: clinical testing. Allele origin: germline.

NM_004104.5(FASN):c.1411G>A (p.Ala471Thr)

Gene: FASN (fatty acid synthase; minus strand). Cytogenetic location: 17q25.3.
Variant type: single nucleotide variant.
Coding change: c.1411G>A on transcript NM_004104.5 (MANE Select); coding-DNA position 1411, G replaced by A.
Protein change: p.Ala471Thr; replaces alanine 471 with threonine.
Molecular consequence: missense variant.
Genome position (GRCh38, 1-based): chr17:82,091,303, C>T on the plus strand (G>A on the coding strand, the complement: FASN is on the minus strand). VCF-style: chr17-82091303-C-T. GRCh37 (hg19) VCF-style: chr17-80049179-C-T.
Other names: short protein forms A471T.
Identifiers: ClinVar variation 650588 (VCV000650588.10), dbSNP rs145247848, ClinGen allele CA8853173.